The following is an entry in ClinVar:

ClinVar aggregate classification (germline): Uncertain significance (1 of 4 stars; one submission).

Conditions:
3-Methylglutaconic aciduria type 2 (BTHS). Also called: Barth syndrome; CARDIOSKELETAL MYOPATHY WITH NEUTROPENIA AND ABNORMAL MITOCHONDRIA. Identifiers: Orphanet 111, MedGen C0574083, MONDO:0010543, OMIM 302060.

Submission:

Labcorp Genetics (formerly Invitae), Labcorp
Classification: Uncertain significance for 3-Methylglutaconic aciduria type 2. Last evaluated: 2024-05-26. Review status: criteria provided, single submitter. Criteria: Invitae Variant Classification Sherloc (09022015). Collection method: clinical testing. Allele origin: germline.
Comment: This sequence change affects codon 129 of the TAZ mRNA. It is a 'silent' change, meaning that it does not change the encoded amino acid sequence of the TAZ protein. This variant is not present in population databases (gnomAD no frequency). This variant has not been reported in the literature in individuals affected with TAZ-related conditions. Algorithms developed to predict the effect of sequence changes on RNA splicing suggest that this variant may disrupt the consensus splice site. In summary, the available evidence is currently insufficient to determine the role of this variant in disease. Therefore, it has been classified as a Variant of Uncertain Significance.

NM_000116.5(TAFAZZIN):c.387A>G (p.Gln129=)

Gene: TAFAZZIN (tafazzin, phospholipid-lysophospholipid transacylase; plus strand). Cytogenetic location: Xq28.
Variant type: single nucleotide variant.
Coding change: c.387A>G on transcript NM_000116.5 (MANE Select); coding-DNA position 387, A replaced by G.
Protein change: p.Gln129=; no amino-acid change (glutamine 129 retained).
Molecular consequence: synonymous variant. On other transcripts: intron variant (3).
Genome position (GRCh38, 1-based): chrX:154,414,117, A>G. VCF-style: chrX-154414117-A-G. GRCh37 (hg19) VCF-style: chrX-153642454-A-G.
Other names: c.441A>G, p.Gln147= (NM_001303465.2); c.387A>G, p.Gln129= (NM_181312.4); c.424+550A>G (NM_001410698.1); c.370+550A>G (NM_181311.4, NM_181313.4).
Identifiers: ClinVar variation 3675844 (VCV003675844.2).